The following is an entry in ClinVar:

ClinVar aggregate classification (germline): Likely benign. Review status: criteria provided, multiple submitters, no conflicts (2 of 4 stars). 2 submissions from 2 submitters: Likely benign (2). Last evaluated 2024-05-21.

Allele frequency attached by ClinVar (database versions not stated): ExAC 0.00001; gnomAD 0.00001; gnomAD exomes 0.00001 and 0.00002; TOPMed 0.00002.
gnomAD v4.1: 21 of 1,613,632 alleles (0.0013%); highest among the groups gnomAD compares: East Asian, 0.0067%; no homozygotes.

Submissions (2):

Labcorp Genetics (formerly Invitae), Labcorp
Classification: Likely benign. Last evaluated: 2024-05-21. Review status: criteria provided, single submitter. Criteria: Invitae Variant Classification Sherloc (09022015). Collection method: clinical testing. Allele origin: germline.

CeGaT Center for Human Genetics Tuebingen
Classification: Likely benign. Last evaluated: 2024-01-01. Review status: criteria provided, single submitter. Criteria: CeGaT Center For Human Genetics Tuebingen Variant Classification Criteria Version 2. Collection method: clinical testing. Allele origin: germline. Affected: yes. Observed: 1 variant allele.
Comment: SEPTIN9: BP4, BP7

NM_001113491.2(SEPTIN9):c.1254C>T (p.Thr418=)

Gene: SEPTIN9 (septin 9; plus strand). Cytogenetic location: 17q25.3.
Variant type: single nucleotide variant.
Coding change: c.1254C>T on transcript NM_001113491.2 (MANE Select); coding-DNA position 1254, C replaced by T.
Protein change: p.Thr418=; no amino-acid change (threonine 418 retained).
Molecular consequence: synonymous variant.
Genome position (GRCh38, 1-based): chr17:77,488,856, C>T. VCF-style: chr17-77488856-C-T. GRCh37 (hg19) VCF-style: chr17-75484938-C-T.
Other names: c.1197C>T, p.Thr399= (NM_001293695.2); c.582C>T, p.Thr194= (NM_001293696.2); c.501C>T, p.Thr167= (NM_001293697.2, NM_001293698.2, NM_001113495.2 and 1 more transcripts); c.1200C>T, p.Thr400= (NM_006640.5); c.762C>T, p.Thr254= (NM_001113492.2, NM_001113494.1); c.1233C>T, p.Thr411= (NM_001113493.2).
Identifiers: ClinVar variation 1682652 (VCV001682652.29), dbSNP rs767637229, ClinGen allele CA8793727.
Genomic context (GRCh38, chr17:77,488,856, plus strand): 5'-CCGCAAGAAGCGCATCCCGGACACCCGCGTCCACTGCTGCCTCTACTTCATCCCCGCCAC[C>T]GGCCACTCGTACGTCCCTGCAGTGTCGGCGTCCTCATGCCGGGTGCCCTGGGTTCCCTCT-3'
Protein context (NP_001106963.1, residues 408-428): VHCCLYFIPA[Thr418=]GHSLRPLDIE